The following is an entry in ClinVar:

ClinVar aggregate classification (germline): Benign (1 of 4 stars; one submission).

Allele frequency attached by ClinVar (database versions not stated): 1000 Genomes Project 0.00439; gnomAD 0.00633.

Submission:

CeGaT Center for Human Genetics Tuebingen
Classification: Benign. Last evaluated: 2023-04-01. Review status: criteria provided, single submitter. Criteria: CeGaT Center For Human Genetics Tuebingen Variant Classification Criteria Version 2. Collection method: clinical testing. Allele origin: germline. Affected: yes. Observed: 3 variant alleles.
Comment: HCN4: BS1, BS2

NC_000015.10:g.73377552T>C

Genes: HCN4 (hyperpolarization activated cyclic nucleotide gated potassium channel 4; minus strand), LOC110121492 (VISTA enhancer hs2161; plus strand). Cytogenetic location: 15q24.1.
Variant type: single nucleotide variant.
Genome position: GRCh38 VCF-style: chr15-73377552-T-C. GRCh37 (hg19) VCF-style: chr15-73669893-T-C.
Identifiers: ClinVar variation 1711387 (VCV001711387.30), dbSNP rs377537777, ClinGen allele CA272662422.